The following is an entry in ClinVar:

ClinVar aggregate classification (germline): Benign/Likely benign. Review status: criteria provided, multiple submitters, no conflicts (2 of 4 stars). 6 submissions from 6 submitters: Benign (1); Likely benign (2). 3 of the submissions do not count toward it. Last evaluated 2026-05-01.

Conditions:
DPH1-related disorder. Also called: DPH1-related condition.

Allele frequency attached by ClinVar (database versions not stated): 1000 Genomes Project 0.00300; 1000 Genomes Project 30x 0.00312; TOPMed 0.00343; gnomAD 0.00361 and 0.00371; ESP Exome Variant Server 0.00374; gnomAD exomes 0.00455; ExAC 0.00512.
gnomAD v4.1: 8,207 of 1,614,154 alleles (0.51%); highest among the groups gnomAD compares: Middle Eastern, 0.73%; 36 homozygotes.

Submissions (6):

CeGaT Center for Human Genetics Tuebingen
Classification: Likely benign. Last evaluated: 2026-05-01. Review status: criteria provided, single submitter. Criteria: CeGaT Center For Human Genetics Tuebingen Variant Classification Criteria Version 2. Collection method: clinical testing. Allele origin: germline. Affected: yes. Observed: 12 variant alleles.
Comment: DPH1: BS2

Blueprint Genetics
Classification: Likely benign. Last evaluated: 2024-11-25. Review status: criteria provided, single submitter. Criteria: ACMG Guidelines, 2015. Collection method: clinical testing. Allele origin: germline.

Labcorp Genetics (formerly Invitae), Labcorp
Classification: Benign. Last evaluated: 2019-12-31. Review status: criteria provided, single submitter. Criteria: Invitae Variant Classification Sherloc (09022015). Collection method: clinical testing. Allele origin: germline.

PreventionGenetics, part of Exact Sciences
Classification: Likely benign for DPH1-related condition. Last evaluated: 2019-06-07. Review status: no assertion criteria provided. Collection method: clinical testing. Allele origin: germline. Not counted in ClinVar's aggregate classification.
Comment: This variant is classified as likely benign based on ACMG/AMP sequence variant interpretation guidelines (Richards et al. 2015 PMID: 25741868, with internal and published modifications).

Diagnostic Laboratory, Department of Genetics, University Medical Center Groningen
Classification: Likely benign. Review status: no assertion criteria provided. Collection method: clinical testing. Allele origin: germline. Affected: yes. Study: VKGL Data-share Consensus. Not counted in ClinVar's aggregate classification.

Laboratory of Diagnostic Genome Analysis, Leiden University Medical Center (LUMC)
Classification: Likely benign. Review status: no assertion criteria provided. Collection method: clinical testing. Allele origin: germline. Affected: yes. Study: VKGL Data-share Consensus. Not counted in ClinVar's aggregate classification.

NM_001383.6(DPH1):c.731C>G (p.Pro244Arg)

Gene: DPH1 (diphthamide biosynthesis 1; plus strand). Cytogenetic location: 17p13.3.
Variant type: single nucleotide variant.
Coding change: c.731C>G on transcript NM_001383.6 (MANE Select); coding-DNA position 731, C replaced by G.
Protein change: p.Pro244Arg; replaces proline 244 with arginine.
Molecular consequence: missense variant. On other transcripts: non-coding transcript variant (3).
Genome position (GRCh38, 1-based): chr17:2,039,805, C>G. VCF-style: chr17-2039805-C-G. GRCh37 (hg19) VCF-style: chr17-1943099-C-G.
Other names: c.746C>G, p.Pro249Arg (NM_001346574.1); c.713C>G, p.Pro238Arg (NM_001346575.1); c.326C>G, p.Pro109Arg (NM_001346576.2); c.746C>G (NM_001383.4); short protein forms P238R, P249R, P244R, P109R.
Identifiers: ClinVar variation 791430 (VCV000791430.34), dbSNP rs80150196, ClinGen allele CA8277103.